The following is an entry in ClinVar:

NM_001278689.2(EOGT):c.599G>A (p.Arg200His)

Gene: EOGT (EGF domain specific O-linked N-acetylglucosamine transferase; minus strand). Cytogenetic location: 3p14.1.
Variant type: single nucleotide variant.
Coding change: c.599G>A on transcript NM_001278689.2 (MANE Select); coding-DNA position 599, G replaced by A.
Protein change: p.Arg200His; replaces arginine 200 with histidine.
Molecular consequence: missense variant. On other transcripts: non-coding transcript variant (1).
Genome position (GRCh38, 1-based): chr3:69,004,399, C>T on the plus strand (G>A on the coding strand, the complement: EOGT is on the minus strand). VCF-style: chr3-69004399-C-T. GRCh37 (hg19) VCF-style: chr3-69053550-C-T.
Other names: c.599G>A, p.Arg200His (NM_173654.3); short protein forms R200H.
Identifiers: ClinVar variation 2051165 (VCV002051165.3), dbSNP rs146762052, ClinGen allele CA2486869.

ClinVar aggregate classification (germline): Uncertain significance (1 of 4 stars; one submission).

Conditions:
Adams-Oliver syndrome 4 (AOS4). Identifiers: Orphanet 974, MedGen C3809092, MONDO:0014124, OMIM 615297.

Allele frequency attached by ClinVar (database versions not stated): gnomAD 0.00004; ExAC 0.00006; TOPMed 0.00007; ESP Exome Variant Server 0.00008; 1000 Genomes Project 30x 0.00016; 1000 Genomes Project 0.00020.
gnomAD v4.1: 60 of 1,613,624 alleles (0.0037%); highest among the groups gnomAD compares: Admixed American, 0.025%; no homozygotes.

Submission:

Labcorp Genetics (formerly Invitae), Labcorp
Classification: Uncertain significance for Adams-Oliver syndrome 4. Last evaluated: 2024-04-10. Review status: criteria provided, single submitter. Criteria: Invitae Variant Classification Sherloc (09022015). Collection method: clinical testing. Allele origin: germline.
Comment: This sequence change replaces arginine, which is basic and polar, with histidine, which is basic and polar, at codon 200 of the EOGT protein (p.Arg200His). This variant is present in population databases (rs146762052, gnomAD 0.08%). This variant has not been reported in the literature in individuals affected with EOGT-related conditions. ClinVar contains an entry for this variant (Variation ID: 2051165). Advanced modeling of protein sequence and biophysical properties (such as structural, functional, and spatial information, amino acid conservation, physicochemical variation, residue mobility, and thermodynamic stability) performed at Invitae indicates that this missense variant is not expected to disrupt EOGT protein function with a negative predictive value of 80%. In summary, the available evidence is currently insufficient to determine the role of this variant in disease. Therefore, it has been classified as a Variant of Uncertain Significance.